The following is an entry in ClinVar:

NM_003630.3(PEX3):c.455C>G (p.Thr152Ser)

Gene: PEX3 (peroxisomal biogenesis factor 3; plus strand). Cytogenetic location: 6q24.2.
Variant type: single nucleotide variant.
Coding change: c.455C>G on transcript NM_003630.3 (MANE Select); coding-DNA position 455, C replaced by G.
Protein change: p.Thr152Ser; replaces threonine 152 with serine.
Molecular consequence: missense variant.
Genome position (GRCh38, 1-based): chr6:143,471,084, C>G. VCF-style: chr6-143471084-C-G. GRCh37 (hg19) VCF-style: chr6-143792221-C-G.
Other names: short protein forms T152S.
Identifiers: ClinVar variation 1395990 (VCV001395990.6), dbSNP rs1326909418, ClinGen allele CA365910277.

ClinVar aggregate classification (germline): Uncertain significance (1 of 4 stars; one submission).

gnomAD v4.1: 8 of 1,613,180 alleles (0.0005%); highest among the groups gnomAD compares: Non-Finnish European, 0.00068%; no homozygotes.

Submission:

Labcorp Genetics (formerly Invitae), Labcorp
Classification: Uncertain significance. Last evaluated: 2024-05-15. Review status: criteria provided, single submitter. Criteria: Invitae Variant Classification Sherloc (09022015). Collection method: clinical testing. Allele origin: germline.
Comment: This sequence change replaces threonine, which is neutral and polar, with serine, which is neutral and polar, at codon 152 of the PEX3 protein (p.Thr152Ser). This variant is not present in population databases (gnomAD no frequency). This variant has not been reported in the literature in individuals affected with PEX3-related conditions. ClinVar contains an entry for this variant (Variation ID: 1395990). An algorithm developed to predict the effect of missense changes on protein structure and function (PolyPhen-2) suggests that this variant is likely to be tolerated. In summary, the available evidence is currently insufficient to determine the role of this variant in disease. Therefore, it has been classified as a Variant of Uncertain Significance.